The following is an entry in ClinVar:

ClinVar aggregate classification (germline): Likely benign (1 of 4 stars; one submission).

Allele frequency attached by ClinVar (database versions not stated): gnomAD exomes 0.00002; ExAC 0.00003; TOPMed 0.00004; 1000 Genomes Project 30x 0.00016; 1000 Genomes Project 0.00020.
gnomAD v4.1: 19 of 1,613,098 alleles (0.0012%); highest among the groups gnomAD compares: African/African-American, 0.017%; no homozygotes.

Submission:

Laboratory for Molecular Medicine, Mass General Brigham Personalized Medicine
Classification: Likely benign. Last evaluated: 2013-12-19. Review status: criteria provided, single submitter. Criteria: LMM Criteria. Collection method: clinical testing. Allele origin: germline. Observed: 1 variant allele.
Comment: Ser1783Ser in exon 37A of PCDH15: This is not expected to have clinical signific ance because it does not alter an amino acid residue and is not located within t he splice consensus sequence.

NM_001384140.1(PCDH15):c.4672-1586T>C

Gene: PCDH15 (protocadherin related 15; minus strand). Cytogenetic location: 10q21.1.
Variant type: single nucleotide variant.
Coding change: c.4672-1586T>C on transcript NM_001384140.1 (MANE Select); 1586 bases into the intron before coding-DNA position 4672, T replaced by C.
Molecular consequence: intron variant. On other transcripts: synonymous variant (2), 3 prime UTR variant (1).
Genome position (GRCh38, 1-based): chr10:53,808,716, A>G on the plus strand (T>C on the coding strand, the complement: PCDH15 is on the minus strand). VCF-style: chr10-53808716-A-G. GRCh37 (hg19) VCF-style: chr10-55568476-A-G.
Other names: c.5349T>C, p.Ser1783= (NM_001142769.4); c.*764T>C (NM_001142770.3); c.5328T>C, p.Ser1776= (NM_001354411.2); c.4477-1586T>C (NM_001354420.2); c.4606-1586T>C (NM_001354429.2); c.4483-1586T>C (NM_001142772.2); c.4498-1586T>C (NM_001142771.2).
Identifiers: ClinVar variation 179491 (VCV000179491.5), dbSNP rs572152722, ClinGen allele CA184531.